The following is an entry in ClinVar:

ClinVar aggregate classification (germline): Uncertain significance (1 of 4 stars; one submission).

Conditions:
Ataxia-telangiectasia syndrome (AT). Also called: Cerebello-oculocutaneous telangiectasia; Immunodeficiency with ataxia telangiectasia; Ataxia-telangiectasia, complementation group E; LOUIS-BAR SYNDROME; Ataxia telangiectasia (A-T); AT, COMPLEMENTATION GROUP C. Identifiers: Orphanet 100, MedGen C0004135, MONDO:0008840, OMIM 208900.

Submission:

Labcorp Genetics (formerly Invitae), Labcorp
Classification: Uncertain significance for Ataxia-telangiectasia syndrome. Last evaluated: 2023-06-06. Review status: criteria provided, single submitter. Criteria: Invitae Variant Classification Sherloc (09022015). Collection method: clinical testing. Allele origin: germline.
Comment: This sequence change replaces glutamine, which is neutral and polar, with proline, which is neutral and non-polar, at codon 1579 of the ATM protein (p.Gln1579Pro). This variant is not present in population databases (gnomAD no frequency). This variant has not been reported in the literature in individuals affected with ATM-related conditions. An algorithm developed to predict the effect of missense changes on protein structure and function (PolyPhen-2) suggests that this variant is likely to be disruptive. In summary, the available evidence is currently insufficient to determine the role of this variant in disease. Therefore, it has been classified as a Variant of Uncertain Significance.

NM_000051.4(ATM):c.4736A>C (p.Gln1579Pro)

Gene: ATM (ATM serine/threonine kinase; plus strand). Cytogenetic location: 11q22.3.
Variant type: single nucleotide variant.
Coding change: c.4736A>C on transcript NM_000051.4 (MANE Select); coding-DNA position 4736, A replaced by C.
Protein change: p.Gln1579Pro; replaces glutamine 1579 with proline.
Molecular consequence: missense variant.
Genome position (GRCh38, 1-based): chr11:108,293,437, A>C. VCF-style: chr11-108293437-A-C. GRCh37 (hg19) VCF-style: chr11-108164164-A-C.
Other names: c.4736A>C, p.Gln1579Pro (NM_001351834.2); short protein forms Q1579P.
Identifiers: ClinVar variation 2693801 (VCV002693801.3), dbSNP rs2135813127, ClinGen allele CA382535040.